The following is an entry in ClinVar:

NM_016592.5(GNAS):c.418G>A (p.Glu140Lys)

Genes: GNAS (GNAS complex locus; plus strand), GNAS-AS1 (GNAS antisense RNA 1; minus strand). Cytogenetic location: 20q13.32.
Variant type: single nucleotide variant.
Coding change: c.418G>A on transcript NM_016592.5 (MANE Plus Clinical); coding-DNA position 418, G replaced by A.
Protein change: p.Glu140Lys; replaces glutamic acid 140 with lysine.
Molecular consequence: missense variant. On other transcripts: 5 prime UTR variant (1).
Genome position (GRCh38, 1-based): chr20:58,840,524, G>A. VCF-style: chr20-58840524-G-A. GRCh37 (hg19) VCF-style: chr20-57415579-G-A.
Other names: c.-320G>A (NM_001410912.1); short protein forms E140K.
Identifiers: ClinVar variation 4991265 (VCV004991265.1).

ClinVar aggregate classification (germline): Uncertain significance (1 of 4 stars; one submission).

Conditions:
GNAS-related disorder. Identifiers: MedGen CN380105.

gnomAD v4.1: 2 of 1,613,560 alleles (0.00012%); highest among the groups gnomAD compares: Non-Finnish European, 0.00017%; no homozygotes.

Submission:

PreventionGenetics, part of Exact Sciences
Classification: Uncertain significance for GNAS-related condition. Last evaluated: 2026-08-27. Review status: criteria provided, single submitter. Criteria: ACMG Guidelines, 2015. Collection method: clinical testing. Allele origin: germline.
Comment: The GNAS c.418G>A variant is predicted to result in the amino acid substitution p.Glu140Lys. In the NM_000516 transcript this variant corresponds to a pre-coding position (c.-51203G>A). To our knowledge, this variant has not been reported in the literature. This variant is reported in 0.00089% of alleles in individuals of European (Non-Finnish) descent in gnomAD. At this time, the clinical significance of this variant is uncertain due to the absence of conclusive functional and genetic evidence.